The following is an entry in ClinVar:

ClinVar aggregate classification (germline): Likely benign. Review status: criteria provided, multiple submitters, no conflicts (2 of 4 stars). 3 submissions from 3 submitters: Likely benign (2). 1 of the submissions does not count toward it. Last evaluated 2021-03-29.

Conditions:
SUFU-related disorder. Also called: SUFU-related condition; SUFU-related disorders.
Medulloblastoma (MDB). Also called: Medulloblastoma, somatic; MEDULLOBLASTOMA PREDISPOSITION SYNDROME. Identifiers: Orphanet 616, MedGen C0025149, MeSH D008527, MONDO:0007959, OMIM 155255, HP:0002885.
Gorlin syndrome. Also called: Basal cell nevus syndrome; Nevoid Basal Cell Carcinoma Syndrome. Identifiers: Orphanet 377, MedGen C0004779, MONDO:0007187.
Hereditary cancer-predisposing syndrome. Also called: Tumor predisposition; Neoplastic Syndromes, Hereditary; Hereditary Cancer Syndrome; Hereditary neoplastic syndrome. Identifiers: Orphanet 140162, MedGen C0027672, MeSH D009386, MONDO:0015356.

Allele frequency attached by ClinVar (database versions not stated): gnomAD exomes 0.00001 and 0.00002; ExAC 0.00002.
gnomAD v4.1: 5 of 1,614,136 alleles (0.00031%); highest among the groups gnomAD compares: Non-Finnish European, 0.00042%; no homozygotes.

Submissions (3):

Labcorp Genetics (formerly Invitae), Labcorp
Classification: Likely benign for Gorlin syndrome; Medulloblastoma. Last evaluated: 2021-03-29. Review status: criteria provided, single submitter. Criteria: Invitae Variant Classification Sherloc (09022015). Collection method: clinical testing. Allele origin: germline.

Ambry Genetics
Classification: Likely benign for Hereditary cancer-predisposing syndrome. Last evaluated: 2017-06-26. Review status: criteria provided, single submitter. Criteria: Ambry Variant Classification Scheme 2023. Collection method: clinical testing. Allele origin: germline.

PreventionGenetics, part of Exact Sciences
Classification: Likely benign for SUFU-related condition. Last evaluated: 2022-12-22. Review status: no assertion criteria provided. Collection method: clinical testing. Allele origin: germline. Not counted in ClinVar's aggregate classification.
Comment: This variant is classified as likely benign based on ACMG/AMP sequence variant interpretation guidelines (Richards et al. 2015 PMID: 25741868, with internal and published modifications).

NM_016169.4(SUFU):c.1008C>T (p.Ala336=)

Gene: SUFU (SUFU negative regulator of hedgehog signaling; plus strand). Cytogenetic location: 10q24.32.
Variant type: single nucleotide variant.
Coding change: c.1008C>T on transcript NM_016169.4 (MANE Select); coding-DNA position 1008, C replaced by T.
Protein change: p.Ala336=; no amino-acid change (alanine 336 retained).
Molecular consequence: synonymous variant.
Genome position (GRCh38, 1-based): chr10:102,599,530, C>T. VCF-style: chr10-102599530-C-T. GRCh37 (hg19) VCF-style: chr10-104359287-C-T.
Other names: c.1008C>T, p.Ala336= (NM_001178133.2).
Identifiers: ClinVar variation 486532 (VCV000486532.16), dbSNP rs770049693, ClinGen allele CA5667835.
Genomic context (GRCh38, chr10:102,599,530, plus strand): 5'-CGAGATCAACAGCAAACCTGTCCTTCCACCAATCAACCCTCAGCGGCAGAATGGCCTCGC[C>T]CACGACCGGGCCCCGTAAGTTCCCCAGTGTCCCTGGGCTGGAACAAGAGGACGACTTTTT-3'
Protein context (NP_057253.2, residues 326-346): PINPQRQNGL[Ala336=]HDRAPSRKDS